The following is an entry in ClinVar:

ClinVar aggregate classification (germline): Conflicting classifications of pathogenicity. Review status: criteria provided, conflicting classifications (1 of 4 stars). 3 submissions from 3 submitters: Uncertain significance (1); Likely benign (2). Last evaluated 2026-01-13.

Conditions:
Noonan syndrome and Noonan-related syndrome. Identifiers: Orphanet 98733, MedGen C5681679, MONDO:0020297.
RASopathy. Also called: rasopathies; Noonan spectrum disorder. Identifiers: Orphanet 536391, MedGen C5555857, MONDO:0021060.

Submissions (3):

Labcorp Genetics (formerly Invitae), Labcorp
Classification: Likely benign for RASopathy. Last evaluated: 2026-01-13. Review status: criteria provided, single submitter. Criteria: Invitae Variant Classification Sherloc (09022015). Collection method: clinical testing. Allele origin: germline.

Women's Health and Genetics/Laboratory Corporation of America, LabCorp
Classification: Likely benign. Last evaluated: 2025-04-22. Review status: criteria provided, single submitter. Criteria: LabCorp Variant Classification Summary - May 2015. Collection method: clinical testing. Allele origin: germline.
Comment: Variant summary: CBL c.747+10_747+11insTTAT alters a non-conserved nucleotide located at a position not widely known to affect splicing. Consensus agreement among computation tools predict no significant impact on normal splicing. However, these predictions have yet to be confirmed by functional studies. The variant allele was found at a frequency of 8e-06 in 250948 control chromosomes (gnomAD). The available data on variant occurrences in the general population are insufficient to allow any conclusion about variant significance. To our knowledge, no occurrence of c.747+10_747+11insTTAT in individuals affected with Noonan Syndrome-Like Disorder and no experimental evidence demonstrating its impact on protein function have been reported. ClinVar contains an entry for this variant (Variation ID: 699854). Based on the evidence outlined above, the variant was classified as likely benign.

Genome Diagnostics Laboratory, The Hospital for Sick Children
Classification: Uncertain significance for Noonan syndrome and Noonan-related syndrome. Last evaluated: 2019-12-01. Review status: criteria provided, single submitter. Criteria: ACMG Guidelines, 2015. Collection method: clinical testing. Allele origin: germline.

NM_005188.4(CBL):c.747+10_747+11insTTAT

Gene: CBL (Cbl proto-oncogene; plus strand). Cytogenetic location: 11q23.3.
Variant type: Insertion.
Coding change: c.747+10_747+11insTTAT on transcript NM_005188.4 (MANE Select); bases 10 to 11 of the intron after coding-DNA position 747, TTAT inserted.
Molecular consequence: intron variant.
Genome position: GRCh38 VCF-style: chr11-119274033-C-CTTTA. GRCh37 (hg19) VCF-style: chr11-119144743-C-CTTTA.
Identifiers: ClinVar variation 699854 (VCV000699854.14), dbSNP rs1473693007, ClinGen allele CA382909932.
Genomic context (GRCh38, chr11:119,274,033, plus strand): 5'-CAATGATTATATTTCGGTTTTTGAATTTGACATCTTTACCCGACTCTTTCAGGTAGGACA[C>CTTTA]TAAAAAAGTTGACTAAACTGGTTACTGCTACTTCGGTGAAGAGAAAGCTTTTTTTTTTTT-3'